The following is an entry in ClinVar:

NM_014283.5(SUCO):c.583C>A (p.Leu195Ile)

Gene: SUCO (SUN domain containing ossification factor; plus strand). Cytogenetic location: 1q24.3.
Variant type: single nucleotide variant.
Coding change: c.583C>A on transcript NM_014283.5 (MANE Select); coding-DNA position 583, C replaced by A.
Protein change: p.Leu195Ile; replaces leucine 195 with isoleucine.
Molecular consequence: missense variant. On other transcripts: 5 prime UTR variant (1).
Genome position (GRCh38, 1-based): chr1:172,557,645, C>A. VCF-style: chr1-172557645-C-A. GRCh37 (hg19) VCF-style: chr1-172526785-C-A.
Other names: c.472C>A, p.Leu158Ile (NM_001282750.2); c.-947C>A (NM_001282751.2); c.1057C>A, p.Leu353Ile (NM_016227.4); short protein forms L195I, L353I, L158I.
Identifiers: ClinVar variation 3712408 (VCV003712408.2).
Genomic context (GRCh38, chr1:172,557,645, plus strand): 5'-TATAGAATTTGTTATCCAGTAAAATCTGTTTATTTAATATATCTTTTGGTTTTAAACAGC[C>A]TTGTTGGCCAGCATATAGAAAATGTATCATCTTCACATGGTAAAGGAAAGATAACAAAAT-3'
Protein context (NP_055098.1, residues 185-205): QPSFVSPPDS[Leu195Ile]VGQHIENVSS

ClinVar aggregate classification (germline): Uncertain significance (1 of 4 stars; one submission).

gnomAD v4.1: 2 of 1,592,076 alleles (0.00013%); highest among the groups gnomAD compares: African/African-American, 0.0027%; no homozygotes.

Submission:

Labcorp Genetics (formerly Invitae), Labcorp
Classification: Uncertain significance. Last evaluated: 2024-10-30. Review status: criteria provided, single submitter. Criteria: Invitae Variant Classification Sherloc (09022015). Collection method: clinical testing. Allele origin: germline.
Comment: This sequence change replaces leucine, which is neutral and non-polar, with isoleucine, which is neutral and non-polar, at codon 195 of the SUCO protein (p.Leu195Ile). This variant is not present in population databases (gnomAD no frequency). This variant has not been reported in the literature in individuals affected with SUCO-related conditions. An algorithm developed to predict the effect of missense changes on protein structure and function (PolyPhen-2) suggests that this variant is likely to be disruptive. In summary, the available evidence is currently insufficient to determine the role of this variant in disease. Therefore, it has been classified as a Variant of Uncertain Significance.